The following is an entry in ClinVar:

ClinVar aggregate classification (germline): Likely benign. Review status: criteria provided, multiple submitters, no conflicts (2 of 4 stars). 3 submissions from 3 submitters: Likely benign (3). Last evaluated 2023-12-31.

Conditions:
Ehlers-Danlos syndrome, classic type, 1 (EDSCL1). Also called: EHLERS-DANLOS SYNDROME, GRAVIS TYPE; EHLERS-DANLOS SYNDROME, SEVERE CLASSIC TYPE; EDS I; Ehlers-Danlos Syndrome, Classic Type, COL5A1-Related; Ehlers-Danlos syndrome, type 1. Identifiers: MedGen C0268335, MONDO:0019567, OMIM 130000.
Osteogenesis imperfecta type I (OI1). Also called: OI, TYPE I; OSTEOGENESIS IMPERFECTA TARDA; OSTEOGENESIS IMPERFECTA WITH BLUE SCLERAE; Classic Non-deforming Osteogenesis Imperfecta with Blue Sclerae; Lobstein disease; Osteogenesis imperfecta type 1. Identifiers: Orphanet 216796, Orphanet 666, MedGen C0023931, MONDO:0008146, OMIM 166200. Disease mechanism: loss of function.
Cardiovascular phenotype. Identifiers: MedGen CN230736.

Allele frequency attached by ClinVar (database versions not stated): gnomAD exomes below 0.00001.
gnomAD v4.1: 3 of 1,591,450 alleles (0.00019%); highest among the groups gnomAD compares: South Asian, 0.0012%; no homozygotes.

Submissions (3):

Labcorp Genetics (formerly Invitae), Labcorp
Classification: Likely benign for Osteogenesis imperfecta type I; Ehlers-Danlos syndrome, classic type, 1. Last evaluated: 2023-12-31. Review status: criteria provided, single submitter. Criteria: Invitae Variant Classification Sherloc (09022015). Collection method: clinical testing. Allele origin: germline.

Ambry Genetics
Classification: Likely benign for Cardiovascular phenotype. Last evaluated: 2022-11-07. Review status: criteria provided, single submitter. Criteria: Ambry Variant Classification Scheme 2023. Collection method: clinical testing. Allele origin: germline.

GeneDx
Classification: Likely benign. Last evaluated: 2017-03-22. Review status: criteria provided, single submitter. Criteria: GeneDx Variant Classification (06012015). Collection method: clinical testing. Allele origin: germline. Affected: yes.
Comment: This variant is considered likely benign or benign based on one or more of the following criteria: it is a conservative change, it occurs at a poorly conserved position in the protein, it is predicted to be benign by multiple in silico algorithms, and/or has population frequency not consistent with disease.

NM_000089.4(COL1A2):c.3000C>T (p.Gly1000=)

Gene: COL1A2 (collagen type I alpha 2 chain; plus strand). Cytogenetic location: 7q21.3.
Variant type: single nucleotide variant.
Coding change: c.3000C>T on transcript NM_000089.4 (MANE Select); coding-DNA position 3000, C replaced by T.
Protein change: p.Gly1000=; no amino-acid change (glycine 1000 retained).
Molecular consequence: synonymous variant.
Genome position (GRCh38, 1-based): chr7:94,426,425, C>T. VCF-style: chr7-94426425-C-T. GRCh37 (hg19) VCF-style: chr7-94055737-C-T.
Identifiers: ClinVar variation 508331 (VCV000508331.11), dbSNP rs1554398439, ClinGen allele CA456490311.